The following is an entry in ClinVar:

NM_206933.4(USH2A):c.5116T>G (p.Trp1706Gly)

Genes: USH2A (usherin; minus strand), USH2A-AS2 (USH2A antisense RNA 2; plus strand). Cytogenetic location: 1q41.
Variant type: single nucleotide variant.
Coding change: c.5116T>G on transcript NM_206933.4 (MANE Select); coding-DNA position 5116, T replaced by G.
Protein change: p.Trp1706Gly; replaces tryptophan 1706 with glycine.
Molecular consequence: missense variant.
Genome position (GRCh38, 1-based): chr1:216,084,749, A>C on the plus strand (T>G on the coding strand, the complement: USH2A is on the minus strand). VCF-style: chr1-216084749-A-C. GRCh37 (hg19) VCF-style: chr1-216258091-A-C.
Other names: c.5116T>G (NM_206933.2); short protein forms W1706G.
Identifiers: ClinVar variation 1502722 (VCV001502722.6), dbSNP rs764884175, ClinGen allele CA1395534.

ClinVar aggregate classification (germline): Uncertain significance. Review status: criteria provided, multiple submitters, no conflicts (2 of 4 stars). 2 submissions from 2 submitters: Uncertain significance (2). Last evaluated 2026-07-29.

Conditions:
Inborn genetic diseases. Identifiers: MedGen C0950123, MeSH D030342.

Allele frequency attached by ClinVar (database versions not stated): TOPMed 0.00001; ExAC 0.00001; gnomAD 0.00001; gnomAD exomes 0.00001.

Submissions (2):

Ambry Genetics
Classification: Uncertain significance for Inborn genetic diseases. Last evaluated: 2026-07-29. Review status: criteria provided, single submitter. Criteria: Ambry Variant Classification Scheme 2023. Collection method: clinical testing. Allele origin: germline.

Labcorp Genetics (formerly Invitae), Labcorp
Classification: Uncertain significance. Last evaluated: 2022-02-04. Review status: criteria provided, single submitter. Criteria: Invitae Variant Classification Sherloc (09022015). Collection method: clinical testing. Allele origin: germline.
Comment: This sequence change replaces tryptophan, which is neutral and slightly polar, with glycine, which is neutral and non-polar, at codon 1706 of the USH2A protein (p.Trp1706Gly). This variant is present in population databases (rs764884175, gnomAD 0.01%). This variant has not been reported in the literature in individuals affected with USH2A-related conditions. Algorithms developed to predict the effect of missense changes on protein structure and function (SIFT, PolyPhen-2, Align-GVGD) all suggest that this variant is likely to be disruptive. In summary, the available evidence is currently insufficient to determine the role of this variant in disease. Therefore, it has been classified as a Variant of Uncertain Significance.